The following is an entry in ClinVar:

ClinVar aggregate classification (germline): Uncertain significance (1 of 4 stars; one submission).

Conditions:
B9D2-related disorder. Also called: B9D2-related condition.

Submission:

PreventionGenetics, part of Exact Sciences
Classification: Uncertain significance for B9D2-related condition. Last evaluated: 2026-07-07. Review status: criteria provided, single submitter. Criteria: ACMG Guidelines, 2015. Collection method: clinical testing. Allele origin: germline.
Comment: The B9D2 c.77G>T variant is predicted to result in the amino acid substitution p.Gly26Val. To our knowledge, this variant has not been reported in the literature or in a large population database (gnomAD), indicating this variant is rare. At this time, the clinical significance of this variant is uncertain due to the absence of conclusive functional and genetic evidence.

NM_030578.4(B9D2):c.77G>T (p.Gly26Val)

Gene: B9D2 (B9 domain containing 2; minus strand). Cytogenetic location: 19q13.2.
Variant type: single nucleotide variant.
Coding change: c.77G>T on transcript NM_030578.4 (MANE Select); coding-DNA position 77, G replaced by T.
Protein change: p.Gly26Val; replaces glycine 26 with valine.
Molecular consequence: missense variant.
Genome position (GRCh38, 1-based): chr19:41,363,443, C>A on the plus strand (G>T on the coding strand, the complement: B9D2 is on the minus strand). VCF-style: chr19-41363443-C-A. GRCh37 (hg19) VCF-style: chr19-41869348-C-A.
Other names: short protein forms G26V.
Identifiers: ClinVar variation 4993927 (VCV004993927.1).